The following is an entry in ClinVar:

NM_001048174.2(MUTYH):c.778A>G (p.Thr260Ala)

Gene: MUTYH (mutY DNA glycosylase; minus strand). Cytogenetic location: 1p34.1.
Variant type: single nucleotide variant.
Coding change: c.778A>G on transcript NM_001048174.2 (MANE Select); coding-DNA position 778, A replaced by G.
Protein change: p.Thr260Ala; replaces threonine 260 with alanine.
Molecular consequence: missense variant. On other transcripts: non-coding transcript variant (2).
Genome position (GRCh38, 1-based): chr1:45,332,237, T>C on the plus strand (A>G on the coding strand, the complement: MUTYH is on the minus strand). VCF-style: chr1-45332237-T-C. GRCh37 (hg19) VCF-style: chr1-45797909-T-C.
Other names: c.778A>G, p.Thr260Ala (NM_001048171.2, NM_001048173.2, NM_001293195.2); c.781A>G, p.Thr261Ala (NM_001048172.2); c.862A>G, p.Thr288Ala (NM_001128425.2); c.823A>G, p.Thr275Ala (NM_001293190.2); c.811A>G, p.Thr271Ala (NM_001293191.2); c.502A>G, p.Thr168Ala (NM_001293192.2, NM_001293196.2); c.433A>G, p.Thr145Ala (NM_001350650.2, NM_001350651.2); c.853A>G, p.Thr285Ala (NM_012222.3); and 1 more; short protein forms T288A, T260A, T271A, T168A, T261A, T285A, T145A, T275A.
Identifiers: ClinVar variation 134858 (VCV000134858.6), dbSNP rs587778535, ClinGen allele CA014497.
Genomic context (GRCh38, chr1:45,332,237, plus strand): 5'-CCCGGCACAGGCTCTCCACAGGGCACTGGCTGCACAGTGGGCGCTGTGGGGTACACACTG[T>C]GGCCCCTAGCTCCATGGCTGCTTGGTTGAAATCTCCTGGCCGGGCTGGGTCCACCAGCTG-3'
Protein context (NP_001041639.1, residues 250-270): FNQAAMELGA[Thr260Ala]VCTPQRPLCS

ClinVar aggregate classification (germline): Conflicting classifications of pathogenicity. Review status: criteria provided, conflicting classifications (1 of 4 stars). 3 submissions from 3 submitters: Uncertain significance (1); Likely benign (1). 1 of the submissions does not count toward it. Last evaluated 2025-09-15.

Conditions:
Hereditary cancer-predisposing syndrome. Also called: Tumor predisposition; Hereditary neoplastic syndrome; Neoplastic Syndromes, Hereditary; Hereditary Cancer Syndrome. Identifiers: Orphanet 140162, MedGen C0027672, MeSH D009386, MONDO:0015356.
Familial adenomatous polyposis 2. Also called: Adenomas, multiple colorectal; MUTYH-associated polyposis; MUTYH-related attenuated familial adenomatous polyposis; MUTYH Polyposis; COLORECTAL ADENOMATOUS POLYPOSIS, AUTOSOMAL RECESSIVE; ADENOMAS, MULTIPLE COLORECTAL, AUTOSOMAL RECESSIVE. Identifiers: Orphanet 220460, Orphanet 247798, MedGen C3272841, MONDO:0012041, OMIM 608456.

Submissions (3):

Ambry Genetics
Classification: Likely benign for Hereditary cancer-predisposing syndrome. Last evaluated: 2025-09-15. Review status: criteria provided, single submitter. Criteria: Ambry Variant Classification Scheme 2023. Collection method: clinical testing. Allele origin: germline.

Labcorp Genetics (formerly Invitae), Labcorp
Classification: Uncertain significance for Familial adenomatous polyposis 2. Last evaluated: 2023-03-29. Review status: criteria provided, single submitter. Criteria: Invitae Variant Classification Sherloc (09022015). Collection method: clinical testing. Allele origin: germline.
Comment: This variant is not present in population databases (gnomAD no frequency). In summary, the available evidence is currently insufficient to determine the role of this variant in disease. Therefore, it has been classified as a Variant of Uncertain Significance. An algorithm developed to predict the effect of missense changes on protein structure and function (PolyPhen-2) suggests that this variant is likely to be tolerated. ClinVar contains an entry for this variant (Variation ID: 134858). This variant has not been reported in the literature in individuals affected with MUTYH-related conditions. This sequence change replaces threonine, which is neutral and polar, with alanine, which is neutral and non-polar, at codon 288 of the MUTYH protein (p.Thr288Ala).

ITMI
No classification provided. Condition: AllHighlyPenetrant. Last evaluated: 2013-09-19. Review status: no classification provided. Collection method: reference population. Allele origin: germline. Not counted in ClinVar's aggregate classification.
Comment: Please see associated publication for description of ethnicities

Literature cited by the submitters: PubMed 24728327 (cited by ITMI).